The following is an entry in ClinVar:

NM_001928.4(CFD):c.122C>A (p.Ala41Glu)

Gene: CFD (complement factor D; plus strand). Cytogenetic location: 19p13.3.
Variant type: single nucleotide variant.
Coding change: c.122C>A on transcript NM_001928.4 (MANE Select); coding-DNA position 122, C replaced by A.
Protein change: p.Ala41Glu; replaces alanine 41 with glutamic acid.
Molecular consequence: missense variant.
Genome position (GRCh38, 1-based): chr19:860,683, C>A. VCF-style: chr19-860683-C-A. GRCh37 (hg19) VCF-style: chr19-860683-C-A.
Other names: c.143C>A, p.Ala48Glu (NM_001317335.2); short protein forms A41E, A48E.
Identifiers: ClinVar variation 2057174 (VCV002057174.4), dbSNP rs1343964924, ClinGen allele CA402920648.

ClinVar aggregate classification (germline): Uncertain significance (1 of 4 stars; one submission).

gnomAD v4.1: 14 of 1,540,966 alleles (0.00091%); highest among the groups gnomAD compares: Non-Finnish European, 0.0012%; no homozygotes.

Submission:

Labcorp Genetics (formerly Invitae), Labcorp
Classification: Uncertain significance. Last evaluated: 2022-07-08. Review status: criteria provided, single submitter. Criteria: Invitae Variant Classification Sherloc (09022015). Collection method: clinical testing. Allele origin: germline.
Comment: The frequency data for this variant in the population databases is considered unreliable, as metrics indicate poor data quality at this position in the gnomAD database. In summary, the available evidence is currently insufficient to determine the role of this variant in disease. Therefore, it has been classified as a Variant of Uncertain Significance. Algorithms developed to predict the effect of missense changes on protein structure and function are either unavailable or do not agree on the potential impact of this missense change (SIFT: "Not Available"; PolyPhen-2: "Probably Damaging"; Align-GVGD: "Not Available"). This variant has not been reported in the literature in individuals affected with CFD-related conditions. This sequence change replaces alanine, which is neutral and non-polar, with glutamic acid, which is acidic and polar, at codon 41 of the CFD protein (p.Ala41Glu).